The following is an entry in ClinVar:

NM_023036.6(DNAI2):c.1105G>A (p.Ala369Thr)

Gene: DNAI2 (dynein axonemal intermediate chain 2; plus strand). Cytogenetic location: 17q25.1.
Variant type: single nucleotide variant.
Coding change: c.1105G>A on transcript NM_023036.6 (MANE Select); coding-DNA position 1105, G replaced by A.
Protein change: p.Ala369Thr; replaces alanine 369 with threonine.
Molecular consequence: missense variant. On other transcripts: non-coding transcript variant (1).
Genome position (GRCh38, 1-based): chr17:74,305,336, G>A. VCF-style: chr17-74305336-G-A. GRCh37 (hg19) VCF-style: chr17-72301475-G-A.
Other names: c.1105G>A, p.Ala369Thr (NM_001172810.3, NM_001353167.2); short protein forms A369T.
Identifiers: ClinVar variation 855463 (VCV000855463.8), dbSNP rs1263482357, ClinGen allele CA400910139.

ClinVar aggregate classification (germline): Uncertain significance. Review status: criteria provided, multiple submitters, no conflicts (2 of 4 stars). 4 submissions from 4 submitters: Uncertain significance (3). 1 of the submissions does not count toward it. Last evaluated 2023-08-30.

Conditions:
Primary ciliary dyskinesia. Also called: Ciliary dyskinesia. Identifiers: Orphanet 244, MedGen C0008780, MONDO:0016575, HP:0012265.
Primary ciliary dyskinesia 9. Also called: CILIARY DYSKINESIA, PRIMARY, 9, WITH OR WITHOUT SITUS INVERSUS. Identifiers: Orphanet 244, MedGen C2676235, MONDO:0012906, OMIM 612444.

Allele frequency attached by ClinVar (database versions not stated): gnomAD exomes 0.00002.
gnomAD v4.1: 57 of 1,614,036 alleles (0.0035%); highest among the groups gnomAD compares: Non-Finnish European, 0.0043%; no homozygotes.

Submissions (4):

ARUP Laboratories, Molecular Genetics and Genomics, ARUP Laboratories
Classification: Uncertain significance for Primary ciliary dyskinesia 9. Last evaluated: 2023-08-30. Review status: criteria provided, single submitter. Criteria: ARUP Molecular Germline Variant Investigation Process 2024. Collection method: clinical testing. Allele origin: germline.
Comment: The DNAI2 c.1105G>A; p.Ala369Thr variant (rs1263482357), to our knowledge, is not reported in the medical literature but is reported in ClinVar (Variation ID: 855463). This variant is found in the general population with an overall allele frequency of 0.0016% (4/251,478 alleles) in the Genome Aggregation Database. Computational analyses are uncertain whether this variant is neutral or deleterious (REVEL: 0.153). Due to limited information, the clinical significance of this variant is uncertain at this time.

Labcorp Genetics (formerly Invitae), Labcorp
Classification: Uncertain significance for Primary ciliary dyskinesia. Last evaluated: 2022-05-28. Review status: criteria provided, single submitter. Criteria: Invitae Variant Classification Sherloc (09022015). Collection method: clinical testing. Allele origin: germline.
Comment: This sequence change replaces alanine, which is neutral and non-polar, with threonine, which is neutral and polar, at codon 369 of the DNAI2 protein (p.Ala369Thr). This variant is present in population databases (no rsID available, gnomAD 0.006%). This variant has not been reported in the literature in individuals affected with DNAI2-related conditions. ClinVar contains an entry for this variant (Variation ID: 855463). Algorithms developed to predict the effect of missense changes on protein structure and function are either unavailable or do not agree on the potential impact of this missense change (SIFT: "Deleterious"; PolyPhen-2: "Benign"; Align-GVGD: "Class C0"). In summary, the available evidence is currently insufficient to determine the role of this variant in disease. Therefore, it has been classified as a Variant of Uncertain Significance.

Ambry Genetics
Classification: Uncertain significance for Primary ciliary dyskinesia. Last evaluated: 2014-10-07. Review status: criteria provided, single submitter. Criteria: Ambry Variant Classification Scheme 2023. Collection method: clinical testing. Allele origin: germline.
Comment: The p.A369T variant (also known as c.1105G>A), located in coding exon 8 of the DNAI2 gene, results from a G to A substitution at nucleotide position 1105. The alanine at codon 369 is replaced by threonine, an amino acid with similar properties. This variant was not reported in population based cohorts in the following databases: Database of Single Nucleotide Polymorphisms (dbSNP), NHLBI Exome Sequencing Project (ESP), and 1000 Genomes Project. In the ESP, this variant was not observed in 6503 samples (13006 alleles) with coverage at this position. This amino acid position is well conserved in available vertebrate species. In addition, this alteration is predicted to be tolerated by in silico analysis. Since supporting evidence is limited at this time, the clinical significance of this variant remains unclear.

Natera, Inc.
Classification: Uncertain significance for Primary ciliary dyskinesia. Last evaluated: 2020-02-13. Review status: no assertion criteria provided. Collection method: clinical testing. Allele origin: germline. Not counted in ClinVar's aggregate classification.